The following is an entry in ClinVar:

ClinVar aggregate classification (germline): Uncertain significance. Review status: criteria provided, single submitter (1 of 4 stars). 2 submissions from 2 submitters: Uncertain significance (1). 1 of the submissions does not count toward it. Last evaluated 2024-01-20.

Conditions:
MYO5B-related disorder. Also called: MYO5B-related condition.

Allele frequency attached by ClinVar (database versions not stated): gnomAD exomes 0.00001; TOPMed 0.00002.
gnomAD v4.1: 14 of 1,612,684 alleles (0.00087%); highest among the groups gnomAD compares: Non-Finnish European, 0.0012%; no homozygotes.

Submissions (2):

Labcorp Genetics (formerly Invitae), Labcorp
Classification: Uncertain significance. Last evaluated: 2024-01-20. Review status: criteria provided, single submitter. Criteria: Invitae Variant Classification Sherloc (09022015). Collection method: clinical testing. Allele origin: germline.
Comment: This sequence change replaces glutamine, which is neutral and polar, with arginine, which is basic and polar, at codon 1068 of the MYO5B protein (p.Gln1068Arg). This variant is not present in population databases (gnomAD no frequency). This variant has not been reported in the literature in individuals affected with MYO5B-related conditions. ClinVar contains an entry for this variant (Variation ID: 1379594). Advanced modeling of protein sequence and biophysical properties (such as structural, functional, and spatial information, amino acid conservation, physicochemical variation, residue mobility, and thermodynamic stability) has been performed at Invitae for this missense variant, however the output from this modeling did not meet the statistical confidence thresholds required to predict the impact of this variant on MYO5B protein function. In summary, the available evidence is currently insufficient to determine the role of this variant in disease. Therefore, it has been classified as a Variant of Uncertain Significance.

PreventionGenetics, part of Exact Sciences
Classification: Uncertain significance for MYO5B-related condition. Last evaluated: 2024-07-09. Review status: no assertion criteria provided. Collection method: clinical testing. Allele origin: germline. Not counted in ClinVar's aggregate classification.
Comment: The MYO5B c.3203A>G variant is predicted to result in the amino acid substitution p.Gln1068Arg. To our knowledge, this variant has not been reported in the literature or in a large population database, indicating this variant is rare. At this time, the clinical significance of this variant is uncertain due to the absence of conclusive functional and genetic evidence.

NM_001080467.3(MYO5B):c.3203A>G (p.Gln1068Arg)

Gene: MYO5B (myosin VB; minus strand). Cytogenetic location: 18q21.1.
Variant type: single nucleotide variant.
Coding change: c.3203A>G on transcript NM_001080467.3 (MANE Select); coding-DNA position 3203, A replaced by G.
Protein change: p.Gln1068Arg; replaces glutamine 1068 with arginine.
Molecular consequence: missense variant.
Genome position (GRCh38, 1-based): chr18:49,879,018, T>C on the plus strand (A>G on the coding strand, the complement: MYO5B is on the minus strand). VCF-style: chr18-49879018-T-C. GRCh37 (hg19) VCF-style: chr18-47405388-T-C.
Other names: c.3203A>G (NM_001080467.2); short protein forms Q1068R.
Identifiers: ClinVar variation 1379594 (VCV001379594.9), dbSNP rs200799466, ClinGen allele CA299977237.